The following is an entry in ClinVar:

NM_006206.6(PDGFRA):c.2986G>A (p.Glu996Lys)

Gene: PDGFRA (platelet derived growth factor receptor alpha; plus strand). Cytogenetic location: 4q12.
Variant type: single nucleotide variant.
Coding change: c.2986G>A on transcript NM_006206.6 (MANE Select); coding-DNA position 2986, G replaced by A.
Protein change: p.Glu996Lys; replaces glutamic acid 996 with lysine.
Molecular consequence: missense variant.
Genome position (GRCh38, 1-based): chr4:54,290,418, G>A. VCF-style: chr4-54290418-G-A. GRCh37 (hg19) VCF-style: chr4-55156585-G-A.
Other names: c.3061G>A, p.Glu1021Lys (NM_001347828.2); c.2986G>A, p.Glu996Lys (NM_001347829.2); c.3025G>A, p.Glu1009Lys (NM_001347830.2); short protein forms E1009K, E1021K, E996K.
Identifiers: ClinVar variation 822435 (VCV000822435.15), dbSNP rs779173667, ClinGen allele CA2923007.

ClinVar aggregate classification (germline): Uncertain significance. Review status: criteria provided, multiple submitters, no conflicts (2 of 4 stars). 3 submissions from 3 submitters: Uncertain significance (3). Last evaluated 2026-09-02.

Conditions:
Gastrointestinal stromal tumor. Also called: Gastrointestinal stroma tumor; Gastrointestinal stromal tumor, somatic. Identifiers: Orphanet 44890, MedGen C0238198, MeSH D046152, MONDO:0011719, OMIM 606764, HP:0100723.
Hereditary cancer-predisposing syndrome. Also called: Tumor predisposition; Hereditary neoplastic syndrome; Neoplastic Syndromes, Hereditary; Hereditary Cancer Syndrome. Identifiers: Orphanet 140162, MedGen C0027672, MeSH D009386, MONDO:0015356.
Idiopathic hypereosinophilic syndrome (HES). Identifiers: Orphanet 3260, MedGen C0206141, MONDO:0011895, OMIM 607685. Disease mechanism: gain of function.

Allele frequency attached by ClinVar (database versions not stated): ExAC 0.00001; gnomAD 0.00001; gnomAD exomes 0.00001; TOPMed 0.00001.
gnomAD v4.1: 6 of 1,613,944 alleles (0.00037%); highest among the groups gnomAD compares: South Asian, 0.0033%; no homozygotes.

Submissions (3):

Ambry Genetics
Classification: Uncertain significance for Hereditary cancer-predisposing syndrome. Last evaluated: 2026-09-02. Review status: criteria provided, single submitter. Criteria: Ambry Variant Classification Scheme 2023. Collection method: clinical testing. Allele origin: germline.

Labcorp Genetics (formerly Invitae), Labcorp
Classification: Uncertain significance for Gastrointestinal stromal tumor. Last evaluated: 2026-01-26. Review status: criteria provided, single submitter. Criteria: Invitae Variant Classification Sherloc (09022015). Collection method: clinical testing. Allele origin: germline.
Comment: This sequence change replaces glutamic acid, which is acidic and polar, with lysine, which is basic and polar, at codon 996 of the PDGFRA protein (p.Glu996Lys). This variant is present in population databases (rs779173667, gnomAD 0.003%). This variant has not been reported in the literature in individuals affected with PDGFRA-related conditions. ClinVar contains an entry for this variant (Variation ID: 822435). Invitae Evidence Modeling of protein sequence and biophysical properties (such as structural, functional, and spatial information, amino acid conservation, physicochemical variation, residue mobility, and thermodynamic stability) indicates that this missense variant is not expected to disrupt PDGFRA protein function with a negative predictive value of 80%. In summary, the available evidence is currently insufficient to determine the role of this variant in disease. Therefore, it has been classified as a Variant of Uncertain Significance.

Revvity Omics, Revvity
Classification: Uncertain significance for Idiopathic hypereosinophilic syndrome. Last evaluated: 2023-04-27. Review status: criteria provided, single submitter. Criteria: ACMG Guidelines, 2015. Collection method: clinical testing. Allele origin: germline.